The following is an entry in ClinVar:

ClinVar aggregate classification (germline): Uncertain significance (1 of 4 stars; one submission).

Submission:

Dasa
Classification: Uncertain significance. Last evaluated: 2026-01-12. Review status: criteria provided, single submitter. Criteria: DASA Assertion Criteria. Collection method: clinical testing. Allele origin: germline.
Comment: NM_018489.3(ASH1L):c.1525A>T (p.Ser509Cys) is a missense variant that results in the substitution of serine with cysteine. This variant is rare in population databases. The currently available literature and clinical evidence are not sufficient to establish a definitive association between this variant and the reported condition. Therefore, this variant is classified as a variant of uncertain significance.

NM_018489.3(ASH1L):c.1525A>T (p.Ser509Cys)

Gene: ASH1L (ASH1 like histone lysine methyltransferase; minus strand). Cytogenetic location: 1q22.
Variant type: single nucleotide variant.
Coding change: c.1525A>T on transcript NM_018489.3 (MANE Select); coding-DNA position 1525, A replaced by T.
Protein change: p.Ser509Cys; replaces serine 509 with cysteine.
Molecular consequence: missense variant.
Genome position (GRCh38, 1-based): chr1:155,481,345, T>A on the plus strand (A>T on the coding strand, the complement: ASH1L is on the minus strand). VCF-style: chr1-155481345-T-A. GRCh37 (hg19) VCF-style: chr1-155451136-T-A.
Other names: c.1525A>T, p.Ser509Cys (NM_001366177.2); short protein forms S509C.
Identifiers: ClinVar variation 4881569 (VCV004881569.2).